The following is an entry in ClinVar:

NM_000494.4(COL17A1):c.202+6T>G

Gene: COL17A1 (collagen type XVII alpha 1 chain; minus strand). Cytogenetic location: 10q25.1.
Variant type: single nucleotide variant.
Coding change: c.202+6T>G on transcript NM_000494.4 (MANE Select); 6 bases into the intron after coding-DNA position 202, T replaced by G.
Molecular consequence: intron variant.
Genome position (GRCh38, 1-based): chr10:104,077,416, A>C on the plus strand (T>G on the coding strand, the complement: COL17A1 is on the minus strand). VCF-style: chr10-104077416-A-C. GRCh37 (hg19) VCF-style: chr10-105837174-A-C.
Identifiers: ClinVar variation 732698 (VCV000732698.15), dbSNP rs139524792, ClinGen allele CA5679535.
Genomic context (GRCh38, chr10:104,077,416, plus strand): 5'-ACTTTCTTGGTGTCTCTCTCTTTGTCACCCATTCTTCCCTGACCTCTTGCACTAGTGGGC[A>C]CTCACTTGAGTTTATGTAGCCGCTGCTGCCATGAGTCAGGCTTTGTTTCTCCAGCCGGCT-3'

ClinVar aggregate classification (germline): Benign. Review status: criteria provided, multiple submitters, no conflicts (2 of 4 stars). 3 submissions from 3 submitters: Benign (3). Last evaluated 2026-01-25.

Conditions:
Junctional epidermolysis bullosa, non-Herlitz type. Also called: Epidermolysis bullosa, junctional, non-herlitz type, somatic mosaic revertant; EPIDERMOLYSIS BULLOSA, JUNCTIONAL 1A, INTERMEDIATE; EPIDERMOLYSIS BULLOSA JUNCTIONALIS, DISENTIS TYPE; EPIDERMOLYSIS BULLOSA JUNCTIONALIS, NON-HERLITZ TYPE; EPIDERMOLYSIS BULLOSA JUNCTIONALIS, PROGRESSIVE; EPIDERMOLYSIS BULLOSA JUNCTIONALIS, SEVERE NONLETHAL. Identifiers: Orphanet 251393, Orphanet 79402, Orphanet 79405, Orphanet 89840, MedGen C0268374, MONDO:0009180, OMIM 226650.

Allele frequency attached by ClinVar (database versions not stated): gnomAD exomes 0.00042 and 0.00166; gnomAD 0.00047 and 0.00058; TOPMed 0.00103; ExAC 0.00188; 1000 Genomes Project 30x 0.00219; 1000 Genomes Project 0.00220.
gnomAD v4.1: 705 of 1,608,958 alleles (0.044%); highest among the groups gnomAD compares: East Asian, 0.66%; 5 homozygotes.

Submissions (4):

Labcorp Genetics (formerly Invitae), Labcorp
Classification: Benign. Last evaluated: 2026-01-25. Review status: criteria provided, single submitter. Criteria: Invitae Variant Classification Sherloc (09022015). Collection method: clinical testing. Allele origin: germline.

Illumina Laboratory Services, Illumina
Classification: Benign for Junctional epidermolysis bullosa, non-Herlitz type. Last evaluated: 2018-01-12. Review status: criteria provided, single submitter. Criteria: ICSL Variant Classification Criteria 13 December 2019. Collection method: clinical testing. Allele origin: germline.
Comment: This variant was observed in the ICSL laboratory as part of a predisposition screen in an ostensibly healthy population. It had not been previously curated by ICSL or reported in the Human Gene Mutation Database (HGMD: prior to June 1st, 2018), and was therefore a candidate for classification through an automated scoring system. Utilizing variant allele frequency, disease prevalence and penetrance estimates, and inheritance mode, an automated score was calculated to assess if this variant is too frequent to cause the disease. Based on the score and internal cut-off values, a variant classified as benign is not then subjected to further curation. The score for this variant resulted in a classification of benign for this disease.

Breakthrough Genomics
Classification: Benign. Review status: criteria provided, single submitter. Criteria: ACMG Guidelines, 2015. Collection method: not provided. Allele origin: germline. Inheritance: Autosomal recessive inheritance. Affected: yes.

Dr. Peter K. Rogan Lab, Western University
No classification provided (evidence only). Condition: Familial cancer of breast. Review status: no classification provided. Collection method: in vitro. Allele origin: not applicable. Functional consequence: skipped exon. Not counted in ClinVar's aggregate classification.